The following is an entry in ClinVar:

NM_000090.4(COL3A1):c.3777T>C (p.Ala1259=)

Gene: COL3A1 (collagen type III alpha 1 chain; plus strand). Cytogenetic location: 2q32.2.
Variant type: single nucleotide variant.
Coding change: c.3777T>C on transcript NM_000090.4 (MANE Select); coding-DNA position 3777, T replaced by C.
Protein change: p.Ala1259=; no amino-acid change (alanine 1259 retained).
Molecular consequence: synonymous variant.
Genome position (GRCh38, 1-based): chr2:189,009,175, T>C. VCF-style: chr2-189009175-T-C. GRCh37 (hg19) VCF-style: chr2-189873901-T-C.
Other names: p.Ala1259=.
Identifiers: ClinVar variation 263324 (VCV000263324.75), dbSNP rs34781844, ClinGen allele CA076277.
Genomic context (GRCh38, chr2:189,009,175, plus strand): 5'-GTCTGTTAATGGACAAATAGAAAGCCTCATTAGTCCTGATGGTTCTCGTAAAAACCCCGC[T>C]AGAAACTGCAGAGACCTGAAATTCTGCCATCCTGAACTCAAGAGTGGTATGTTTGGTAGT-3'
Protein context (NP_000081.2, residues 1249-1269): ISPDGSRKNP[Ala1259=]RNCRDLKFCH

ClinVar aggregate classification (germline): Benign/Likely benign. Review status: criteria provided, multiple submitters, no conflicts (2 of 4 stars). 13 submissions from 13 submitters: Benign (3); Likely benign (8). 2 of the submissions do not count toward it. Last evaluated 2026-09-01.

Conditions:
Ehlers-Danlos syndrome (EDS). Identifiers: Orphanet 98249, MedGen C0013720, MONDO:0020066.
Familial thoracic aortic aneurysm and aortic dissection (TAAD). Also called: Thoracic aortic aneurysms and dissections. Identifiers: Orphanet 91387, MedGen C4707243, MONDO:0019625.
Ehlers-Danlos syndrome, type 4 (EDSVASC). Also called: Ehlers-Danlos syndrome vascular type; Ehlers Danlos syndrome, ecchymotic type; Ehlers Danlos syndrome, arterial type; Ehlers Danlos syndrome, Sack-Barabas type; Ehlers-Danlos Syndrome Type IV. Identifiers: Orphanet 286, MedGen C0268338, MONDO:0017314, OMIM 130050.

Allele frequency attached by ClinVar (database versions not stated): TOPMed 0.00039; gnomAD exomes 0.00040 and 0.00055; gnomAD 0.00049 and 0.00050; ExAC 0.00053; ESP Exome Variant Server 0.00085.
gnomAD v4.1: 673 of 1,614,066 alleles (0.042%); highest among the groups gnomAD compares: Non-Finnish European, 0.038%; no homozygotes.

Submissions (13):

CeGaT Center for Human Genetics Tuebingen
Classification: Likely benign. Last evaluated: 2026-09-01. Review status: criteria provided, single submitter. Criteria: CeGaT Center For Human Genetics Tuebingen Variant Classification Criteria Version 2. Collection method: clinical testing. Allele origin: germline. Affected: yes. Observed: 17 variant alleles.
Comment: COL3A1: BP4, BP7

Labcorp Genetics (formerly Invitae), Labcorp
Classification: Benign for Ehlers-Danlos syndrome, type 4. Last evaluated: 2026-01-26. Review status: criteria provided, single submitter. Criteria: Invitae Variant Classification Sherloc (09022015). Collection method: clinical testing. Allele origin: germline.

Mayo Clinic Laboratories, Mayo Clinic
Classification: Likely benign. Last evaluated: 2025-05-07. Review status: criteria provided, single submitter. Criteria: ACMG Guidelines, 2015. Collection method: clinical testing. Allele origin: germline. Observed: 5 variant alleles.
Comment: BS1, BP4, BP7

Blueprint Genetics
Classification: Likely benign. Last evaluated: 2024-10-31. Review status: criteria provided, single submitter. Criteria: ACMG Guidelines, 2015. Collection method: clinical testing. Allele origin: germline.

All of Us Research Program, National Institutes of Health
Classification: Likely benign for Ehlers-Danlos syndrome, type 4. Last evaluated: 2024-02-05. Review status: criteria provided, single submitter. Criteria: ACMG Guidelines, 2015. Collection method: clinical testing. Allele origin: germline. Inheritance: Autosomal dominant inheritance. Observed: 136 variant alleles, 136 heterozygotes.
Comment: This study involves interpretation of variants in research participants for the purpose of population health screening. Participant phenotype was not available at the time of variant classification. Additional details can be found in publication PMID: 35346344, PMCID: PMC8962531

ARUP Laboratories, Molecular Genetics and Genomics, ARUP Laboratories
Classification: Benign. Last evaluated: 2019-12-09. Review status: criteria provided, single submitter. Criteria: ARUP Molecular Germline Variant Investigation Process. Collection method: clinical testing. Allele origin: germline.

Genome Diagnostics Laboratory, The Hospital for Sick Children
Classification: Likely benign for Ehlers-Danlos syndrome. Last evaluated: 2019-05-01. Review status: criteria provided, single submitter. Criteria: ACMG Guidelines, 2015. Collection method: clinical testing. Allele origin: germline.

Illumina Laboratory Services, Illumina
Classification: Likely benign for Ehlers-Danlos syndrome, type 4. Last evaluated: 2018-08-17. Review status: criteria provided, single submitter. Criteria: ICSL Variant Classification Criteria 13 December 2019. Collection method: clinical testing. Allele origin: germline.
Comment: This variant was observed as part of a predisposition screen in an ostensibly healthy population. A literature search was performed for the gene, cDNA change, and amino acid change (where applicable). No publications were found based on this search. Allele frequency data from public databases allowed determination this variant is unlikely to cause disease. Therefore, this variant is classified as likely benign.

Color Diagnostics, LLC DBA Color Health
Classification: Likely benign for Familial thoracic aortic aneurysm and aortic dissection. Last evaluated: 2018-03-23. Review status: criteria provided, single submitter. Criteria: ACMG Guidelines, 2015. Collection method: clinical testing. Allele origin: germline.

Ambry Genetics
Classification: Likely benign for Familial thoracic aortic aneurysm and aortic dissection. Last evaluated: 2015-05-15. Review status: criteria provided, single submitter. Criteria: Ambry Variant Classification Scheme 2023. Collection method: clinical testing. Allele origin: germline.

GeneDx
Classification: Benign. Last evaluated: 2015-03-03. Review status: criteria provided, single submitter. Criteria: GeneDx Variant Classification Process June 2021. Collection method: clinical testing. Allele origin: germline. Affected: yes.

Clinical Genetics DNA and cytogenetics Diagnostics Lab, Erasmus MC, Erasmus Medical Center
Classification: Likely benign. Review status: no assertion criteria provided. Collection method: clinical testing. Allele origin: germline. Affected: yes. Study: VKGL Data-share Consensus. Not counted in ClinVar's aggregate classification.

Genome Diagnostics Laboratory, Amsterdam University Medical Center
Classification: Likely benign. Review status: no assertion criteria provided. Collection method: clinical testing. Allele origin: germline. Affected: yes. Study: VKGL Data-share Consensus. Not counted in ClinVar's aggregate classification.